The following is an entry in ClinVar:

NM_022124.6(CDH23):c.1735C>T (p.Gln579Ter)

Gene: CDH23 (cadherin related 23; plus strand). Cytogenetic location: 10q22.1.
Variant type: single nucleotide variant.
Coding change: c.1735C>T on transcript NM_022124.6 (MANE Select); coding-DNA position 1735, C replaced by T.
Protein change: p.Gln579Ter; replaces glutamine 579 with a stop codon.
Molecular consequence: nonsense.
Genome position (GRCh38, 1-based): chr10:71,677,676, C>T. VCF-style: chr10-71677676-C-T. GRCh37 (hg19) VCF-style: chr10-73437433-C-T.
Other names: c.1735C>T, p.Gln579Ter (NM_001171930.2, NM_001171931.2); short protein forms Q579*.
Identifiers: ClinVar variation 1460205 (VCV001460205.7), dbSNP rs779974496, ClinGen allele CA5543937.

ClinVar aggregate classification (germline): Pathogenic/Likely pathogenic. Review status: criteria provided, multiple submitters, no conflicts (2 of 4 stars). 2 submissions from 2 submitters: Pathogenic (1); Likely pathogenic (1). Last evaluated 2023-04-22.

Conditions:
Pituitary adenoma 5, multiple types. Identifiers: MedGen C4539685, MONDO:0054601, OMIM 617540.

Submissions (2):

Baylor Genetics
Classification: Likely pathogenic for Pituitary adenoma 5, multiple types. Last evaluated: 2023-04-22. Review status: criteria provided, single submitter. Criteria: ACMG Guidelines, 2015. Collection method: clinical testing. Allele origin: unknown.

Labcorp Genetics (formerly Invitae), Labcorp
Classification: Pathogenic. Last evaluated: 2021-01-01. Review status: criteria provided, single submitter. Criteria: Invitae Variant Classification Sherloc (09022015). Collection method: clinical testing. Allele origin: germline.
Comment: For these reasons, this variant has been classified as Pathogenic. This variant has not been reported in the literature in individuals with CDH23-related conditions. The frequency data for this variant in the population databases is considered unreliable, as metrics indicate poor data quality at this position in the ExAC database. This sequence change creates a premature translational stop signal (p.Gln579*) in the CDH23 gene. It is expected to result in an absent or disrupted protein product. Loss-of-function variants in CDH23 are known to be pathogenic (PMID: 11138009, 21940737).

Literature cited by the submitters: PubMed 11138009 (cited by Labcorp Genetics (formerly Invitae), Labcorp); PubMed 21940737 (cited by Labcorp Genetics (formerly Invitae), Labcorp).